The following is an entry in ClinVar:

NM_000395.3(CSF2RB):c.632G>A (p.Arg211Gln)

Gene: CSF2RB (colony stimulating factor 2 receptor subunit beta; plus strand). Cytogenetic location: 22q12.3.
Variant type: single nucleotide variant.
Coding change: c.632G>A on transcript NM_000395.3 (MANE Select); coding-DNA position 632, G replaced by A.
Protein change: p.Arg211Gln; replaces arginine 211 with glutamine.
Molecular consequence: missense variant.
Genome position (GRCh38, 1-based): chr22:36,929,721, G>A. VCF-style: chr22-36929721-G-A. GRCh37 (hg19) VCF-style: chr22-37325763-G-A.
Other names: short protein forms R211Q.
Identifiers: ClinVar variation 1048657 (VCV001048657.9), dbSNP rs751578225, ClinGen allele CA10213533.

ClinVar aggregate classification (germline): Uncertain significance. Review status: criteria provided, multiple submitters, no conflicts (2 of 4 stars). 2 submissions from 2 submitters: Uncertain significance (2). Last evaluated 2023-04-03.

Conditions:
Surfactant metabolism dysfunction, pulmonary, 5 (SMDP5). Also called: PULMONARY ALVEOLAR PROTEINOSIS 5; PAP DUE TO CSF2RB DEFICIENCY; CSF2RB DEFICIENCY. Identifiers: Orphanet 264675, MedGen C3280574, MONDO:0013712, OMIM 614370.

Allele frequency attached by ClinVar (database versions not stated): TOPMed 0.00001; ExAC 0.00004.

Submissions (2):

Labcorp Genetics (formerly Invitae), Labcorp
Classification: Uncertain significance. Last evaluated: 2023-04-03. Review status: criteria provided, single submitter. Criteria: Invitae Variant Classification Sherloc (09022015). Collection method: clinical testing. Allele origin: germline.
Comment: This sequence change replaces arginine, which is basic and polar, with glutamine, which is neutral and polar, at codon 211 of the CSF2RB protein (p.Arg211Gln). This variant is present in population databases (rs751578225, gnomAD 0.01%). This variant has not been reported in the literature in individuals affected with CSF2RB-related conditions. ClinVar contains an entry for this variant (Variation ID: 1048657). Advanced modeling of protein sequence and biophysical properties (such as structural, functional, and spatial information, amino acid conservation, physicochemical variation, residue mobility, and thermodynamic stability) performed at Invitae indicates that this missense variant is expected to disrupt CSF2RB protein function. In summary, the available evidence is currently insufficient to determine the role of this variant in disease. Therefore, it has been classified as a Variant of Uncertain Significance.

MVZ Martinsried, Medicover Genetics
Classification: Uncertain significance for Surfactant metabolism dysfunction, pulmonary, 5. Last evaluated: 2021-01-26. Review status: criteria provided, single submitter. Criteria: ACGS Guidelines, 2020. Collection method: clinical testing. Allele origin: unknown. Affected: yes.